The following is an entry in ClinVar:

ClinVar aggregate classification (germline): Uncertain significance (1 of 4 stars; one submission).

Allele frequency attached by ClinVar (database versions not stated): gnomAD 0.00001; ExAC 0.00002.
gnomAD v4.1: 14 of 1,614,050 alleles (0.00087%); highest among the groups gnomAD compares: Admixed American, 0.0017%; no homozygotes.

Submission:

Labcorp Genetics (formerly Invitae), Labcorp
Classification: Uncertain significance. Last evaluated: 2026-01-12. Review status: criteria provided, single submitter. Criteria: Invitae Variant Classification Sherloc (09022015). Collection method: clinical testing. Allele origin: germline.
Comment: This sequence change replaces leucine, which is neutral and non-polar, with isoleucine, which is neutral and non-polar, at codon 937 of the ERCC5 protein (p.Leu937Ile). This variant is present in population databases (rs776279093, gnomAD 0.003%). This variant has not been reported in the literature in individuals affected with ERCC5-related conditions. ClinVar contains an entry for this variant (Variation ID: 1948744). An algorithm developed to predict the effect of missense changes on protein structure and function (PolyPhen-2) suggests that this variant is likely to be disruptive. In summary, the available evidence is currently insufficient to determine the role of this variant in disease. Therefore, it has been classified as a Variant of Uncertain Significance.

NM_000123.4(ERCC5):c.2809C>A (p.Leu937Ile)

Genes: BIVM-ERCC5 (BIVM-ERCC5 readthrough; plus strand), ERCC5 (ERCC excision repair 5, endonuclease; plus strand). Cytogenetic location: 13q33.1.
Variant type: single nucleotide variant.
Coding change: c.2809C>A on transcript NM_000123.4 (MANE Select); coding-DNA position 2809, C replaced by A.
Protein change: p.Leu937Ile; replaces leucine 937 with isoleucine.
Molecular consequence: missense variant.
Genome position (GRCh38, 1-based): chr13:102,872,328, C>A. VCF-style: chr13-102872328-C-A. GRCh37 (hg19) VCF-style: chr13-103524678-C-A.
Other names: c.4171C>A, p.Leu1391Ile (NM_001204425.2); short protein forms L1391I, L937I.
Identifiers: ClinVar variation 1948744 (VCV001948744.5), dbSNP rs776279093, ClinGen allele CA7041743.